The following is an entry in ClinVar:

ClinVar aggregate classification (germline): Conflicting classifications of pathogenicity. Review status: criteria provided, conflicting classifications (1 of 4 stars). 4 submissions from 4 submitters: Uncertain significance (1); Benign (1); Likely benign (1). 1 of the submissions does not count toward it. Last evaluated 2026-02-01.

Conditions:
MEOX1-related disorder. Also called: MEOX1-related condition.

Allele frequency attached by ClinVar (database versions not stated): gnomAD exomes 0.00059; ExAC 0.00079; 1000 Genomes Project 0.00080; ESP Exome Variant Server 0.00185; TOPMed 0.00266; gnomAD 0.00280 and 0.00295.
gnomAD v4.1: 730 of 685,850 alleles (0.11%); highest among the groups gnomAD compares: African/African-American, 1.2%; 7 homozygotes.

Submissions (4):

Labcorp Genetics (formerly Invitae), Labcorp
Classification: Benign. Last evaluated: 2026-02-01. Review status: criteria provided, single submitter. Criteria: Invitae Variant Classification Sherloc (09022015). Collection method: clinical testing. Allele origin: germline.

Blueprint Genetics
Classification: Likely benign. Last evaluated: 2024-08-06. Review status: criteria provided, single submitter. Criteria: ACMG Guidelines, 2015. Collection method: clinical testing. Allele origin: germline.

Eurofins Ntd Llc (ga)
Classification: Uncertain significance. Last evaluated: 2016-11-09. Review status: criteria provided, single submitter. Criteria: EGL Classification Definitions 2015. Collection method: clinical testing. Allele origin: germline. Observed: 1 variant allele, 1 heterozygote.

PreventionGenetics, part of Exact Sciences
Classification: Likely benign for MEOX1-related condition. Last evaluated: 2024-08-28. Review status: no assertion criteria provided. Collection method: clinical testing. Allele origin: germline. Not counted in ClinVar's aggregate classification.
Comment: This variant is classified as likely benign based on ACMG/AMP sequence variant interpretation guidelines (Richards et al. 2015 PMID: 25741868, with internal and published modifications).

NM_004527.4(MEOX1):c.126G>A (p.Pro42=)

Gene: MEOX1 (mesenchyme homeobox 1; minus strand). Cytogenetic location: 17q21.31.
Variant type: single nucleotide variant.
Coding change: c.126G>A on transcript NM_004527.4 (MANE Select); coding-DNA position 126, G replaced by A.
Protein change: p.Pro42=; no amino-acid change (proline 42 retained).
Molecular consequence: synonymous variant. On other transcripts: intron variant (1).
Genome position (GRCh38, 1-based): chr17:43,661,409, C>T on the plus strand (G>A on the coding strand, the complement: MEOX1 is on the minus strand). VCF-style: chr17-43661409-C-T. GRCh37 (hg19) VCF-style: chr17-41738777-C-T.
Other names: c.126G>A, p.Pro42= (NM_013999.4); c.-204-16G>A (NM_001040002.2).
Identifiers: ClinVar variation 498557 (VCV000498557.17), dbSNP rs141693578, ClinGen allele CA8592700.